The following is an entry in ClinVar:

ClinVar aggregate classification (germline): Likely pathogenic. Review status: criteria provided, multiple submitters, no conflicts (2 of 4 stars). 6 submissions from 6 submitters: Likely pathogenic (5). 1 of the submissions does not count toward it. Last evaluated 2025-05-15.

Conditions:
FANCA-related disorders.
Fanconi anemia complementation group A (FANCA). Also called: Fanconi anemia, group A; FANCA-Related Fanconi Anemia. Identifiers: Orphanet 84, MedGen C3469521, MONDO:0009215, OMIM 227650.

Submissions (6):

GeneKor MSA
Classification: Likely pathogenic for Fanconi anemia complementation group A. Last evaluated: 2025-05-15. Review status: criteria provided, single submitter. Criteria: ACMG Guidelines, 2015. Collection method: clinical testing. Allele origin: germline. Affected: yes.
Comment: This is a missense variant resulting in the substitution of glutamic acid with glutamine at position 878 of the FANCA protein (p.Glu878Gln). This finding is reported in population databases (rs1017086086, frequency <0.01%) and is also listed in the ClinVar database (VCV000974248.6). In silico prediction algorithms suggest that this variant may have an impact on the function or structure of the protein. However, this prediction has not been experimentally validated.In conclusion, based on the available evidence, this variant is classified as likely pathogenic.

Baylor Genetics
Classification: Likely pathogenic for Fanconi anemia complementation group A. Last evaluated: 2024-03-25. Review status: criteria provided, single submitter. Criteria: ACMG Guidelines, 2015. Collection method: clinical testing. Allele origin: unknown.

Genomic Medicine Center of Excellence, King Faisal Specialist Hospital and Research Centre
Classification: Likely pathogenic for Fanconi anemia complementation group A. Last evaluated: 2024-03-17. Review status: criteria provided, single submitter. Criteria: ACMG Guidelines, 2015. Collection method: research. Allele origin: germline.

Daryl Scott Lab, Baylor College of Medicine
Classification: Likely pathogenic for Fanconi anemia complementation group A. Last evaluated: 2024-01-01. Review status: criteria provided, single submitter. Criteria: ACMG Guidelines, 2015. Collection method: clinical testing. Allele origin: unknown. Affected: yes. Observed: 1 compound heterozygote.
Comment: PS4, PM2, PM3, PP3

Blueprint Genetics
Classification: Likely pathogenic for FANCA-related disorders. Last evaluated: 2023-07-13. Review status: criteria provided, single submitter. Criteria: ACMG Guidelines, 2015. Collection method: clinical testing. Allele origin: germline. Affected: yes. Observed: 2 variant alleles.

Leiden Open Variation Database
Classification: Pathogenic for Fanconi anemia complementation group A. Last evaluated: 2020-02-28. Review status: no assertion criteria provided. Collection method: curation. Allele origin: germline. Affected: yes. Not counted in ClinVar's aggregate classification.
Comment: Curator: Arleen D. Auerbach. Submitter to LOVD: Johan de Winter.

Literature cited by the submitters: PubMed 17924555 (cited by Leiden Open Variation Database).

NM_000135.4(FANCA):c.2632G>C (p.Glu878Gln)

Genes: FANCA (FA complementation group A; minus strand), LOC130059837 (ATAC-STARR-seq lymphoblastoid active region 11420; plus strand). Cytogenetic location: 16q24.3.
Variant type: single nucleotide variant.
Coding change: c.2632G>C on transcript NM_000135.4 (MANE Select); coding-DNA position 2632, G replaced by C.
Protein change: p.Glu878Gln; replaces glutamic acid 878 with glutamine.
Molecular consequence: missense variant.
Genome position (GRCh38, 1-based): chr16:89,765,036, C>G on the plus strand (G>C on the coding strand, the complement: FANCA is on the minus strand). VCF-style: chr16-89765036-C-G. GRCh37 (hg19) VCF-style: chr16-89831444-C-G.
Other names: c.2632G>C, p.Glu878Gln (NM_001286167.3); short protein forms E878Q.
Identifiers: ClinVar variation 974248 (VCV000974248.8), dbSNP rs1017086086, ClinGen allele CA397438857.